The following is an entry in ClinVar:

NM_001378120.1(MBD5):c.4139G>A (p.Arg1380Gln)

Gene: MBD5 (methyl-CpG binding domain protein 5; plus strand). Cytogenetic location: 2q23.1.
Variant type: single nucleotide variant.
Coding change: c.4139G>A on transcript NM_001378120.1 (MANE Select); coding-DNA position 4139, G replaced by A.
Protein change: p.Arg1380Gln; replaces arginine 1380 with glutamine.
Molecular consequence: missense variant.
Genome position (GRCh38, 1-based): chr2:148,489,771, G>A. VCF-style: chr2-148489771-G-A. GRCh37 (hg19) VCF-style: chr2-149247340-G-A.
Other names: p.R1147Q:CGG>CAG; c.3440G>A, p.Arg1147Gln (NM_018328.5); short protein forms R1147Q, R1380Q.
Identifiers: ClinVar variation 206118 (VCV000206118.39), dbSNP rs368605084, ClinGen allele CA315891.

ClinVar aggregate classification (germline): Conflicting classifications of pathogenicity. Review status: criteria provided, conflicting classifications (1 of 4 stars). 5 submissions from 5 submitters: Uncertain significance (1); Likely benign (4). Last evaluated 2025-02-24.

Conditions:
Inborn genetic diseases. Identifiers: MedGen C0950123, MeSH D030342.
Intellectual developmental disorder, autosomal dominant 1. Also called: Intellectual disability, autosomal dominant 1; MBD5 Haploinsufficiency. Identifiers: Orphanet 228402, MedGen C1969562, MONDO:0007974, OMIM 156200.

Allele frequency attached by ClinVar (database versions not stated): ExAC 0.00001; gnomAD exomes 0.00003 and 0.00006; gnomAD 0.00005 and 0.00006; TOPMed 0.00005; ESP Exome Variant Server 0.00008.
gnomAD v4.1: 95 of 1,614,020 alleles (0.0059%); highest among the groups gnomAD compares: Non-Finnish European, 0.0075%; no homozygotes.

Submissions (5):

Labcorp Genetics (formerly Invitae), Labcorp
Classification: Likely benign for Intellectual developmental disorder, autosomal dominant 1. Last evaluated: 2025-02-24. Review status: criteria provided, single submitter. Criteria: Invitae Variant Classification Sherloc (09022015). Collection method: clinical testing. Allele origin: germline.

Ambry Genetics
Classification: Likely benign for Inborn genetic diseases. Last evaluated: 2024-11-15. Review status: criteria provided, single submitter. Criteria: Ambry Variant Classification Scheme 2023. Collection method: clinical testing. Allele origin: germline.

Blueprint Genetics
Classification: Uncertain significance. Last evaluated: 2022-12-12. Review status: criteria provided, single submitter. Criteria: ACMG Guidelines, 2015. Collection method: clinical testing. Allele origin: germline.

CeGaT Center for Human Genetics Tuebingen
Classification: Likely benign. Last evaluated: 2022-08-01. Review status: criteria provided, single submitter. Criteria: CeGaT Center For Human Genetics Tuebingen Variant Classification Criteria Version 2. Collection method: clinical testing. Allele origin: germline. Affected: yes. Observed: 1 variant allele.
Comment: MBD5: BP4

GeneDx
Classification: Likely benign. Last evaluated: 2020-12-07. Review status: criteria provided, single submitter. Criteria: GeneDx Variant Classification Process June 2021. Collection method: clinical testing. Allele origin: germline. Affected: yes.